The following is an entry in ClinVar:

ClinVar aggregate classification (germline): Uncertain significance. Review status: criteria provided, multiple submitters, no conflicts (2 of 4 stars). 2 submissions from 2 submitters: Uncertain significance (2). Last evaluated 2024-03-30.

Conditions:
Multiple system atrophy 1, susceptibility to. Also called: MSA1, SUSCEPTIBILITY TO. Identifiers: MedGen C3714927, MONDO:0020715, OMIM 146500.
Coenzyme Q10 deficiency, primary, 1. Also called: UBIQUINONE DEFICIENCY 1; COENZYME Q DEFICIENCY 1; CoQ DEFICIENCY 1. Identifiers: Orphanet 255249, MedGen C3551954, MONDO:0011829, OMIM 607426.

Allele frequency attached by ClinVar (database versions not stated): gnomAD exomes 0.00002; ExAC 0.00008; gnomAD 0.00009; TOPMed 0.00009; 1000 Genomes Project 0.00020; 1000 Genomes Project 30x 0.00047.
gnomAD v4.1: 43 of 1,552,578 alleles (0.0028%); highest among the groups gnomAD compares: African/African-American, 0.027%; no homozygotes.

Submissions (2):

Fulgent Genetics
Classification: Uncertain significance for Multiple system atrophy 1, susceptibility to; Coenzyme Q10 deficiency, primary, 1. Last evaluated: 2024-03-30. Review status: criteria provided, single submitter. Criteria: ACMG Guidelines, 2015. Collection method: clinical testing. Allele origin: germline.

Labcorp Genetics (formerly Invitae), Labcorp
Classification: Uncertain significance. Last evaluated: 2022-06-13. Review status: criteria provided, single submitter. Criteria: Invitae Variant Classification Sherloc (09022015). Collection method: clinical testing. Allele origin: germline.
Comment: This sequence change replaces glycine, which is neutral and non-polar, with arginine, which is basic and polar, at codon 322 of the COQ2 protein (p.Gly322Arg). This variant is present in population databases (rs567729948, gnomAD 0.02%). This variant has not been reported in the literature in individuals affected with COQ2-related conditions. Algorithms developed to predict the effect of missense changes on protein structure and function output the following: SIFT: "Tolerated"; PolyPhen-2: "Benign"; Align-GVGD: "Class C0". The arginine amino acid residue is found in multiple mammalian species, which suggests that this missense change does not adversely affect protein function. Algorithms developed to predict the effect of sequence changes on RNA splicing suggest that this variant may create or strengthen a splice site. In summary, the available evidence is currently insufficient to determine the role of this variant in disease. Therefore, it has been classified as a Variant of Uncertain Significance.

NM_001358921.2(COQ2):c.814G>A (p.Gly272Arg)

Gene: COQ2 (coenzyme Q2, polyprenyltransferase; minus strand). Cytogenetic location: 4q21.23.
Variant type: single nucleotide variant.
Coding change: c.814G>A on transcript NM_001358921.2 (MANE Select); coding-DNA position 814, G replaced by A.
Protein change: p.Gly272Arg; replaces glycine 272 with arginine.
Molecular consequence: missense variant.
Genome position (GRCh38, 1-based): chr4:83,267,723, C>T on the plus strand (G>A on the coding strand, the complement: COQ2 is on the minus strand). VCF-style: chr4-83267723-C-T. GRCh37 (hg19) VCF-style: chr4-84188876-C-T.
Other names: c.964G>A, p.Gly322Arg (NM_015697.9); c.964G>A (NM_015697.8); short protein forms G322R, G272R.
Identifiers: ClinVar variation 1983869 (VCV001983869.2), dbSNP rs567729948, ClinGen allele CA2988500.
Genomic context (GRCh38, chr4:83,267,723, plus strand): 5'-GGCTCAGTGCCCCCAGCATTGCAACACTGAAGCCGCTGAGCCACGGCTTGGTATTTTCTC[C>T]GAACCGCAGAGCCGTTGACTTAAGACCAATCAAAACATCATCTCTTTTGTCCTAATATCA-3'
Protein context (NP_001345850.1, residues 262-282): IGLKSTALRF[Gly272Arg]ENTKPWLSGF